The following is an entry in ClinVar:

ClinVar aggregate classification (germline): Uncertain significance (1 of 4 stars; one submission).

Conditions:
JAG1-related disorder. Also called: JAG1-related condition; JAG1-related disorders.

gnomAD v4.1: 1 of 1,614,052 alleles (0.000062%); highest among the groups gnomAD compares: African/African-American, 0.0013%; no homozygotes.

Submission:

PreventionGenetics, part of Exact Sciences
Classification: Uncertain significance for JAG1-related condition. Last evaluated: 2024-10-23. Review status: criteria provided, single submitter. Criteria: ACMG Guidelines, 2015. Collection method: clinical testing. Allele origin: germline.
Comment: The JAG1 c.2785C>T variant is predicted to result in the amino acid substitution p.Pro929Ser. To our knowledge, this variant has not been reported in the literature. This variant is reported in 0.0062% of alleles in individuals of African descent in gnomAD. At this time, the clinical significance of this variant is uncertain due to the absence of conclusive functional and genetic evidence.

NM_000214.3(JAG1):c.2785C>T (p.Pro929Ser)

Gene: JAG1 (jagged canonical Notch ligand 1; minus strand). Cytogenetic location: 20p12.2.
Variant type: single nucleotide variant.
Coding change: c.2785C>T on transcript NM_000214.3 (MANE Select); coding-DNA position 2785, C replaced by T.
Protein change: p.Pro929Ser; replaces proline 929 with serine.
Molecular consequence: missense variant.
Genome position (GRCh38, 1-based): chr20:10,641,591, G>A on the plus strand (C>T on the coding strand, the complement: JAG1 is on the minus strand). VCF-style: chr20-10641591-G-A. GRCh37 (hg19) VCF-style: chr20-10622239-G-A.
Other names: short protein forms P929S.
Identifiers: ClinVar variation 5000302 (VCV005000302.1).